The following is an entry in ClinVar:

NM_000053.4(ATP7B):c.1963del (p.Leu655fs)

Gene: ATP7B (ATPase copper transporting beta; minus strand). Cytogenetic location: 13q14.3.
Variant type: Deletion.
Coding change: c.1963del on transcript NM_000053.4 (MANE Select); coding-DNA position 1963, one base deleted (C; older notation c.1963delC).
Protein change: p.Leu655fs; shifts the reading frame from leucine 655.
Molecular consequence: frameshift variant. On other transcripts: intron variant (2).
Genome position (GRCh38, 1-based): chr13:51,960,306, G deleted on the plus strand (C on the coding strand, the reverse complement: ATP7B is on the minus strand); the first of 2 consecutive G bases (chr13:51,960,306-51,960,307); deleting either gives the same sequence. VCF-style (leftmost placement, unchanged base first): chr13-51960305-AG-A. GRCh37 (hg19) VCF-style: chr13-52534441-AG-A.
Other names: c.1870-1762del (NM_001330579.2); c.1630del, p.Leu544fs (NM_001243182.2); c.1963del, p.Leu655fs (NM_001330578.2); c.1870-2699del (NM_001005918.3); short protein forms L544fs, L655fs.
Identifiers: ClinVar variation 1456063 (VCV001456063.8), dbSNP rs2139612433, ClinGen allele CA2573149707.
Genomic context (GRCh38, chr13:51,960,305, plus strand): 5'-CTGGGTATCAGCATATAGATCATTAAGGCCATGACAGGGATGCCAAACACCAGGCTGCAC[AG>A]GAAAGACTTCTTCCACCTGGAAAGCAAATGCAGCAACACAGATATATCAGATGCTGCTTG-3'

ClinVar aggregate classification (germline): Pathogenic/Likely pathogenic. Review status: criteria provided, multiple submitters, no conflicts (2 of 4 stars). 4 submissions from 4 submitters: Pathogenic (1); Likely pathogenic (2). 1 of the submissions does not count toward it. Last evaluated 2024-05-14.

Conditions:
Wilson disease (WND). Also called: Wilson's disease. Identifiers: Orphanet 905, MedGen C0019202, MONDO:0010200, OMIM 277900. Disease mechanism: loss of function.

Submissions (4):

Fulgent Genetics
Classification: Likely pathogenic for Wilson disease. Last evaluated: 2024-05-14. Review status: criteria provided, single submitter. Criteria: ACMG Guidelines, 2015. Collection method: clinical testing. Allele origin: germline.

Neuberg Centre For Genomic Medicine, NCGM
Classification: Likely pathogenic for Wilson disease. Last evaluated: 2023-02-14. Review status: criteria provided, single submitter. Criteria: ACMG Guidelines, 2015. Collection method: clinical testing. Allele origin: germline. Inheritance: Autosomal recessive inheritance. Affected: yes.
Comment: The frameshift variant c.1963del (p.Leu655CysfsTer13) in the ATP7B gene has been reported previously in compound heterozygous state in an individual affected with Wilson's disease (Kumar, et. al., 2020). This variant is novel (not in any individuals) in gnomAD Exomes and 1000 Genomes. It is submitted to ClinVar as Pathogenic. However study on multiple affected individuals and functional studies on the pathogenicity of the variant is unavailable. This variant is predicted to cause a loss of normal protein function through protein truncation. Loss of function variants has been previously reported to be disease causing. For these reasons, this variant has been classified as Likely Pathogenic.

Labcorp Genetics (formerly Invitae), Labcorp
Classification: Pathogenic for Wilson disease. Last evaluated: 2023-01-18. Review status: criteria provided, single submitter. Criteria: Invitae Variant Classification Sherloc (09022015). Collection method: clinical testing. Allele origin: germline.
Comment: For these reasons, this variant has been classified as Pathogenic. ClinVar contains an entry for this variant (Variation ID: 1456063). This premature translational stop signal has been observed in individual(s) with Wilson disease (PMID: 17264425). This variant is not present in population databases (gnomAD no frequency). This sequence change creates a premature translational stop signal (p.Leu655Cysfs*13) in the ATP7B gene. It is expected to result in an absent or disrupted protein product. Loss-of-function variants in ATP7B are known to be pathogenic (PMID: 10441329, 16283883).

Kasturba Medical College, Manipal, Kasturba Medical College, Manipal, Manipal Academy of Higher Education, Manipal, India
Classification: Pathogenic for Wilson disease. Review status: no assertion criteria provided. Collection method: clinical testing. Allele origin: biparental. Affected: yes. Not counted in ClinVar's aggregate classification.

Literature cited by the submitters: PubMed 17264425 (cited by Labcorp Genetics (formerly Invitae), Labcorp and Kasturba Medical College, Manipal, Kasturba Medical College, Manipal, Manipal Academy of Higher Education, Manipal, India); PubMed 10441329 (cited by Labcorp Genetics (formerly Invitae), Labcorp); PubMed 16283883 (cited by Labcorp Genetics (formerly Invitae), Labcorp).